The following is an entry in ClinVar:

NM_000321.3(RB1):c.2493C>G (p.Ile831Met)

Gene: RB1 (RB transcriptional corepressor 1; plus strand). Cytogenetic location: 13q14.2.
Variant type: single nucleotide variant.
Coding change: c.2493C>G on transcript NM_000321.3 (MANE Select); coding-DNA position 2493, C replaced by G.
Protein change: p.Ile831Met; replaces isoleucine 831 with methionine.
Molecular consequence: missense variant.
Genome position (GRCh38, 1-based): chr13:48,473,363, C>G. VCF-style: chr13-48473363-C-G. GRCh37 (hg19) VCF-style: chr13-49047499-C-G.
Other names: c.2493C>G, p.Ile831Met (NM_001407165.1); short protein forms I831M.
Identifiers: ClinVar variation 2678280 (VCV002678280.2), dbSNP rs2138354605, ClinGen allele CA388168109.
Genomic context (GRCh38, chr13:48,473,363, plus strand): 5'-CTGCAAAATTGTATATGGTTTTTTATTACTAATTGGTATTTCATCTTAACTTGACAGAAT[C>G]TTAGTATCAATTGGTGAATCATTCGGGGTGAGTATTTTCTTTCTATGAAATATAATAGTA-3'
Protein context (NP_000312.2, residues 821-841): TPTKMTPRSR[Ile831Met]LVSIGESFGT

ClinVar aggregate classification (germline): Uncertain significance. Review status: criteria provided, multiple submitters, no conflicts (2 of 4 stars). 2 submissions from 2 submitters: Uncertain significance (2). Last evaluated 2026-07-26.

Conditions:
Hereditary cancer-predisposing syndrome. Also called: Hereditary neoplastic syndrome; Hereditary Cancer Syndrome; Neoplastic Syndromes, Hereditary; Tumor predisposition. Identifiers: Orphanet 140162, MedGen C0027672, MeSH D009386, MONDO:0015356.
Malignant tumor of urinary bladder. Also called: Bladder cancer; Urinary bladder cancer; Urinary Bladder Neoplasms. Identifiers: MedGen C0005684, MONDO:0001187, OMIM 109800.

Submissions (2):

Ambry Genetics
Classification: Uncertain significance for Hereditary cancer-predisposing syndrome. Last evaluated: 2026-07-26. Review status: criteria provided, single submitter. Criteria: Ambry Variant Classification Scheme 2023. Collection method: clinical testing. Allele origin: germline.
Comment: The p.I831M variant (also known as c.2493C>G), located in coding exon 24 of the RB1 gene, results from a C to G substitution at nucleotide position 2493. The isoleucine at codon 831 is replaced by methionine, an amino acid with highly similar properties. This amino acid position is conserved. In addition, this alteration is predicted to be tolerated by in silico analysis. Based on the available evidence, the clinical significance of this variant remains unclear.

Baylor Genetics
Classification: Uncertain significance for Malignant tumor of urinary bladder. Last evaluated: 2023-10-13. Review status: criteria provided, single submitter. Criteria: ACMG Guidelines, 2015. Collection method: clinical testing. Allele origin: unknown.